The following is an entry in ClinVar:

ClinVar aggregate classification (germline): Uncertain significance (1 of 4 stars; one submission).

Allele frequency attached by ClinVar (database versions not stated): gnomAD exomes 0.00001; ExAC 0.00002.
gnomAD v4.1: 8 of 1,614,092 alleles (0.0005%); highest among the groups gnomAD compares: Middle Eastern, 0.016%; no homozygotes.

Submission:

Ambry Genetics
Classification: Uncertain significance. Last evaluated: 2025-05-18. Review status: criteria provided, single submitter. Criteria: Ambry Variant Classification Scheme 2023. Collection method: clinical testing. Allele origin: germline.
Comment: The p.P401S variant (also known as c.1201C>T), located in coding exon 4 of the TMPO gene, results from a C to T substitution at nucleotide position 1201. The proline at codon 401 is replaced by serine, an amino acid with similar properties. This amino acid position is conserved. In addition, this alteration is predicted to be tolerated by in silico analysis. Since supporting evidence is limited at this time, the clinical significance of this alteration remains unclear.

NM_001032283.3(TMPO):c.565+1620C>T

Gene: TMPO (thymopoietin; plus strand). Cytogenetic location: 12q23.1.
Variant type: single nucleotide variant.
Coding change: c.565+1620C>T on transcript NM_001032283.3 (MANE Select); 1620 bases into the intron after coding-DNA position 565, C replaced by T.
Molecular consequence: intron variant. On other transcripts: missense variant (1).
Genome position (GRCh38, 1-based): chr12:98,533,458, C>T. VCF-style: chr12-98533458-C-T. GRCh37 (hg19) VCF-style: chr12-98927236-C-T.
Other names: c.1201C>T, p.Pro401Ser (NM_003276.2); c.565+1620C>T (NM_001307975.2, NM_001032284.3); short protein forms P401S.
Identifiers: ClinVar variation 2447963 (VCV002447963.3), dbSNP rs773389005, ClinGen allele CA6732381.